The following is an entry in ClinVar:

NM_001267550.2(TTN):c.102911A>G (p.Asp34304Gly)

Genes: TTN-AS1 (TTN antisense RNA 1; plus strand), TTN (titin; minus strand). Cytogenetic location: 2q31.2.
Variant type: single nucleotide variant.
Coding change: c.102911A>G on transcript NM_001267550.2 (MANE Select); coding-DNA position 102911, A replaced by G.
Protein change: p.Asp34304Gly; replaces aspartic acid 34304 with glycine.
Molecular consequence: missense variant.
Genome position (GRCh38, 1-based): chr2:178,533,704, T>C on the plus strand (A>G on the coding strand, the complement: TTN is on the minus strand). VCF-style: chr2-178533704-T-C. GRCh37 (hg19) VCF-style: chr2-179398431-T-C.
Other names: c.97988A>G, p.Asp32663Gly (NM_001256850.1); c.75716A>G, p.Asp25239Gly (NM_003319.4); c.95207A>G, p.Asp31736Gly (NM_133378.4); c.76091A>G, p.Asp25364Gly (NM_133432.3); c.76292A>G, p.Asp25431Gly (NM_133437.4); short protein forms D25431G, D31736G, D34304G, D25364G, D32663G, D25239G.
Identifiers: ClinVar variation 2113676 (VCV002113676.4), dbSNP rs879041002, ClinGen allele CA60957703.
Genomic context (GRCh38, chr2:178,533,704, plus strand): 5'-GTGACACTGTTGATTGTTAATTGGTAAAGACCCTTGTCTGACTCAAATGTGTACTTCTTG[T>C]CATTGTCACCTGGTTTGATTTTCTGACCTGATTTATACCATGTTACATGAGGCTCTGGGT-3'
Protein context (NP_001254479.2, residues 34294-34314): SGQKIKPGDN[Asp34304Gly]KKYTFESDKG

ClinVar aggregate classification (germline): Uncertain significance (1 of 4 stars; one submission).

Conditions:
Dilated cardiomyopathy 1G (CMD1G). Identifiers: Orphanet 154, MedGen C1858763, MONDO:0011400, OMIM 604145.
Autosomal recessive limb-girdle muscular dystrophy type 2J (LGMDR10). Also called: Limb-girdle muscular dystrophy, type 2J; MUSCULAR DYSTROPHY, LIMB-GIRDLE, AUTOSOMAL RECESSIVE 10. Identifiers: Orphanet 140922, MedGen C1837342, MONDO:0012127, OMIM 608807.

Submission:

Labcorp Genetics (formerly Invitae), Labcorp
Classification: Uncertain significance for Dilated cardiomyopathy 1G; Autosomal recessive limb-girdle muscular dystrophy type 2J. Last evaluated: 2022-03-18. Review status: criteria provided, single submitter. Criteria: Invitae Variant Classification Sherloc (09022015). Collection method: clinical testing. Allele origin: germline.
Comment: This variant has not been reported in the literature in individuals affected with TTN-related conditions. This sequence change replaces aspartic acid, which is acidic and polar, with glycine, which is neutral and non-polar, at codon 34304 of the TTN protein (p.Asp34304Gly). This variant is not present in population databases (gnomAD no frequency). Experimental studies and prediction algorithms are not available or were not evaluated, and the functional significance of this variant is currently unknown. In summary, the available evidence is currently insufficient to determine the role of this variant in disease. Therefore, it has been classified as a Variant of Uncertain Significance. This variant is located in the M band of TTN (PMID: 25589632). Variants in this region may be relevant for neuromuscular disorders, but have not been definitively shown to cause cardiomyopathy (PMID: 23975875).

Literature cited by the submitters: PubMed 25589632; PubMed 23975875.